The following is an entry in ClinVar:

ClinVar aggregate classification (germline): Uncertain significance (1 of 4 stars; one submission).

Submission:

Labcorp Genetics (formerly Invitae), Labcorp
Classification: Uncertain significance. Last evaluated: 2021-07-17. Review status: criteria provided, single submitter. Criteria: Invitae Variant Classification Sherloc (09022015). Collection method: clinical testing. Allele origin: germline.
Comment: In summary, the available evidence is currently insufficient to determine the role of this variant in disease. Therefore, it has been classified as a Variant of Uncertain Significance. Algorithms developed to predict the effect of missense changes on protein structure and function (SIFT, PolyPhen-2, Align-GVGD) all suggest that this variant is likely to be tolerated. This variant has not been reported in the literature in individuals affected with TNFAIP3-related conditions. This variant is not present in population databases (ExAC no frequency). This sequence change replaces glutamic acid with glycine at codon 300 of the TNFAIP3 protein (p.Glu300Gly). The glutamic acid residue is highly conserved and there is a moderate physicochemical difference between glutamic acid and glycine.

NM_001270508.2(TNFAIP3):c.899A>G (p.Glu300Gly)

Gene: TNFAIP3 (TNF alpha induced protein 3; plus strand). Cytogenetic location: 6q23.3.
Variant type: single nucleotide variant.
Coding change: c.899A>G on transcript NM_001270508.2 (MANE Select); coding-DNA position 899, A replaced by G.
Protein change: p.Glu300Gly; replaces glutamic acid 300 with glycine.
Molecular consequence: missense variant.
Genome position (GRCh38, 1-based): chr6:137,877,169, A>G. VCF-style: chr6-137877169-A-G. GRCh37 (hg19) VCF-style: chr6-138198306-A-G.
Other names: c.899A>G, p.Glu300Gly (NM_001270507.2, NM_006290.4); short protein forms E300G.
Identifiers: ClinVar variation 1505880 (VCV001505880.8), dbSNP rs200371583, ClinGen allele CA365787319.